The following is an entry in ClinVar:

ClinVar aggregate classification (germline): Uncertain significance (1 of 4 stars; one submission).

Conditions:
Charcot-Marie-Tooth disease type 2. Also called: Charcot-Marie-Tooth type 2. Identifiers: Orphanet 64746, MedGen C0270914, MONDO:0018993.

Submission:

Labcorp Genetics (formerly Invitae), Labcorp
Classification: Uncertain significance for Charcot-Marie-Tooth disease type 2. Last evaluated: 2018-07-30. Review status: criteria provided, single submitter. Criteria: Invitae Variant Classification Sherloc (09022015). Collection method: clinical testing. Allele origin: germline.
Comment: This sequence change results in a premature translational stop signal in the MED25 gene (p.Gln734*). While this is not anticipated to result in nonsense mediated decay, it is expected to disrupt the last 14 amino acids of the MED25 protein. This variant is not present in population databases (ExAC no frequency). This variant has not been reported in the literature in individuals with MED25-related disease. In summary, the available evidence is currently insufficient to determine the role of this variant in disease. Therefore, it has been classified as a Variant of Uncertain Significance.

NM_030973.4(MED25):c.2200C>T (p.Gln734Ter)

Gene: MED25 (mediator complex subunit 25; plus strand). Cytogenetic location: 19q13.33.
Variant type: single nucleotide variant.
Coding change: c.2200C>T on transcript NM_030973.4 (MANE Select); coding-DNA position 2200, C replaced by T.
Protein change: p.Gln734Ter; replaces glutamine 734 with a stop codon.
Molecular consequence: nonsense. On other transcripts: intron variant (1).
Genome position (GRCh38, 1-based): chr19:49,836,900, C>T. VCF-style: chr19-49836900-C-T. GRCh37 (hg19) VCF-style: chr19-50340157-C-T.
Other names: c.2146+494C>T (NM_001378355.1); short protein forms Q734*.
Identifiers: ClinVar variation 656544 (VCV000656544.4), dbSNP rs1600332988, ClinGen allele CA406922575.
Genomic context (GRCh38, chr19:49,836,900, plus strand): 5'-CCCTCAGGTCAGATGCTGCTGAGCGGGGGTCCCCGGGGCCCGGTCCCCCAGCCGGGCCTG[C>T]AGCCCAGCGTCATGGAGGACGACATCCTCATGGATCTCATCTGAATCCCCAACACCCAAT-3'